The following is an entry in ClinVar:

NM_001290060.2(SEMA3B):c.816C>T (p.Asp272=)

Gene: SEMA3B (semaphorin 3B; plus strand). Cytogenetic location: 3p21.31.
Variant type: single nucleotide variant.
Coding change: c.816C>T on transcript NM_001290060.2 (MANE Select); coding-DNA position 816, C replaced by T.
Protein change: p.Asp272=; no amino-acid change (aspartic acid 272 retained).
Molecular consequence: synonymous variant. On other transcripts: 5 prime UTR variant (2), non-coding transcript variant (1).
Genome position (GRCh38, 1-based): chr3:50,273,540, C>T. VCF-style: chr3-50273540-C-T. GRCh37 (hg19) VCF-style: chr3-50310971-C-T.
Other names: c.816C>T, p.Asp272= (NM_001005914.3, NM_001290061.1, NM_001435956.1 and 3 more transcripts); c.-211C>T (NM_001290062.2); c.-214C>T (NM_001290063.2).
Identifiers: ClinVar variation 4992052 (VCV004992052.1).

ClinVar aggregate classification (germline): Likely benign (1 of 4 stars; one submission).

Conditions:
SEMA3B-related disorder. Also called: SEMA3B-related condition.

Submission:

PreventionGenetics, part of Exact Sciences
Classification: Likely benign for SEMA3B-related condition. Last evaluated: 2026-08-06. Review status: criteria provided, single submitter. Criteria: ACMG Guidelines, 2015. Collection method: clinical testing. Allele origin: germline.
Comment: This variant is classified as likely benign based on ACMG/AMP sequence variant interpretation guidelines (Richards et al. 2015 PMID: 25741868, with internal and published modifications).